The following is an entry in ClinVar:

NM_003235.5(TG):c.4795C>T (p.Pro1599Ser)

Gene: TG (thyroglobulin; plus strand). Cytogenetic location: 8q24.22.
Variant type: single nucleotide variant.
Coding change: c.4795C>T on transcript NM_003235.5 (MANE Select); coding-DNA position 4795, C replaced by T.
Protein change: p.Pro1599Ser; replaces proline 1599 with serine.
Molecular consequence: missense variant.
Genome position (GRCh38, 1-based): chr8:132,929,171, C>T. VCF-style: chr8-132929171-C-T. GRCh37 (hg19) VCF-style: chr8-133941416-C-T.
Other names: short protein forms P1599S.
Identifiers: ClinVar variation 4687162 (VCV004687162.1).

ClinVar aggregate classification (germline): Uncertain significance (1 of 4 stars; one submission).

gnomAD v4.1: 7 of 1,614,040 alleles (0.00043%); highest among the groups gnomAD compares: South Asian, 0.0011%; no homozygotes.

Submission:

Women's Health and Genetics/Laboratory Corporation of America, LabCorp
Classification: Uncertain significance. Last evaluated: 2025-10-30. Review status: criteria provided, single submitter. Criteria: LabCorp Variant Classification Summary - May 2015. Collection method: clinical testing. Allele origin: germline.
Comment: Variant summary: TG c.4795C>T (p.Pro1599Ser) results in a non-conservative amino acid change in the encoded protein sequence. Algorithms developed to predict the effect of missense changes on protein structure and function are either unavailable or do not agree on the potential impact of this missense change. The variant allele was found at a frequency of 1.2e-05 in 251410 control chromosomes. The available data on variant occurrences in the general population are insufficient to allow any conclusion about variant significance. To our knowledge, no occurrence of c.4795C>T in individuals affected with TG-related conditions and no experimental evidence demonstrating its impact on protein function have been reported. No submitters have cited clinical-significance assessments for this variant to ClinVar. Based on the evidence outlined above, the variant was classified as uncertain significance.